The following is an entry in ClinVar:

NM_022114.4(PRDM16):c.573+17A>G

Gene: PRDM16 (PR/SET domain 16; plus strand). Cytogenetic location: 1p36.32.
Variant type: single nucleotide variant.
Coding change: c.573+17A>G on transcript NM_022114.4 (MANE Select); 17 bases into the intron after coding-DNA position 573, A replaced by G.
Molecular consequence: intron variant.
Genome position (GRCh38, 1-based): chr1:3,385,303, A>G. VCF-style: chr1-3385303-A-G. GRCh37 (hg19) VCF-style: chr1-3301867-A-G.
Other names: c.573+17A>G (NM_199454.3).
Identifiers: ClinVar variation 510034 (VCV000510034.14), dbSNP rs370287328, ClinGen allele CA543853.
Genomic context (GRCh38, chr1:3,385,303, plus strand): 5'-CCTGCGATGACCAGAACCTCACCATGTGTCAGATCAGTGAGCAGGTAGGTCCGGGCTCAT[A>G]ACAGGGGCTTCTGCCTCTTGGAATTGTCCCTGAGGATGTGGCACCAAGATTGGTGGAGGT-3'

ClinVar aggregate classification (germline): Benign/Likely benign. Review status: criteria provided, multiple submitters, no conflicts (2 of 4 stars). 7 submissions from 7 submitters: Benign (3); Likely benign (2). 2 of the submissions do not count toward it. Last evaluated 2026-01-13.

Conditions:
Left ventricular noncompaction 8 (LVNC8). Identifiers: Orphanet 154, Orphanet 54260, MedGen C3809288, MONDO:0014152, OMIM 615373.

Allele frequency attached by ClinVar (database versions not stated): gnomAD exomes 0.00008 and 0.00027; ExAC 0.00030; 1000 Genomes Project 0.00040; 1000 Genomes Project 30x 0.00047; gnomAD 0.00083 and 0.00091; TOPMed 0.00093; ESP Exome Variant Server 0.00135.
gnomAD v4.1: 298 of 1,612,924 alleles (0.018%); highest among the groups gnomAD compares: African/African-American, 0.24%; 3 homozygotes.

Submissions (7):

Labcorp Genetics (formerly Invitae), Labcorp
Classification: Benign for Left ventricular noncompaction 8. Last evaluated: 2026-01-13. Review status: criteria provided, single submitter. Criteria: Invitae Variant Classification Sherloc (09022015). Collection method: clinical testing. Allele origin: germline.

ARUP Laboratories, Molecular Genetics and Genomics, ARUP Laboratories
Classification: Benign. Last evaluated: 2025-07-08. Review status: criteria provided, single submitter. Criteria: ARUP Molecular Germline Variant Investigation Process 2024. Collection method: clinical testing. Allele origin: germline.

Blueprint Genetics
Classification: Likely benign. Last evaluated: 2024-11-26. Review status: criteria provided, single submitter. Criteria: ACMG Guidelines, 2015. Collection method: clinical testing. Allele origin: germline.

Women's Health and Genetics/Laboratory Corporation of America, LabCorp
Classification: Benign. Last evaluated: 2023-08-19. Review status: criteria provided, single submitter. Criteria: LabCorp Variant Classification Summary - May 2015. Collection method: clinical testing. Allele origin: germline.

GeneDx
Classification: Likely benign. Last evaluated: 2018-03-12. Review status: criteria provided, single submitter. Criteria: GeneDx Variant Classification (06012015). Collection method: clinical testing. Allele origin: germline. Affected: yes.
Comment: This variant is considered likely benign or benign based on one or more of the following criteria: it is a conservative change, it occurs at a poorly conserved position in the protein, it is predicted to be benign by multiple in silico algorithms, and/or has population frequency not consistent with disease.

Clinical Genetics DNA and cytogenetics Diagnostics Lab, Erasmus MC, Erasmus Medical Center
Classification: Benign. Review status: no assertion criteria provided. Collection method: clinical testing. Allele origin: germline. Affected: yes. Study: VKGL Data-share Consensus. Not counted in ClinVar's aggregate classification.

Clinical Genetics, Academic Medical Center
Classification: Benign. Review status: no assertion criteria provided. Collection method: clinical testing. Allele origin: germline. Affected: yes. Study: VKGL Data-share Consensus. Not counted in ClinVar's aggregate classification.